The following is an entry in ClinVar:

ClinVar aggregate classification (germline): Uncertain significance. Review status: criteria provided, multiple submitters, no conflicts (2 of 4 stars). 2 submissions from 2 submitters: Uncertain significance (2). Last evaluated 2025-06-23.

Conditions:
Sessile serrated polyposis cancer syndrome (SSPCS). Identifiers: Orphanet 157798, MedGen C4310714, MONDO:0014919, OMIM 617108.

Submissions (2):

Ambry Genetics
Classification: Uncertain significance. Last evaluated: 2025-06-23. Review status: criteria provided, single submitter. Criteria: Ambry Variant Classification Scheme 2023. Collection method: clinical testing. Allele origin: germline.
Comment: The p.I209T variant (also known as c.626T>C), located in coding exon 5 of the RNF43 gene, results from a T to C substitution at nucleotide position 626. The isoleucine at codon 209 is replaced by threonine, an amino acid with similar properties. This amino acid position is conserved. In addition, this alteration is predicted to be tolerated by in silico analysis. Based on the available evidence, the clinical significance of this variant remains unclear.

Baylor Genetics
Classification: Uncertain significance for Sessile serrated polyposis cancer syndrome. Last evaluated: 2023-09-21. Review status: criteria provided, single submitter. Criteria: ACMG Guidelines, 2015. Collection method: clinical testing. Allele origin: unknown.

NM_017763.6(RNF43):c.626T>C (p.Ile209Thr)

Gene: RNF43 (ring finger protein 43; minus strand). Cytogenetic location: 17q22.
Variant type: single nucleotide variant.
Coding change: c.626T>C on transcript NM_017763.6 (MANE Select); coding-DNA position 626, T replaced by C.
Protein change: p.Ile209Thr; replaces isoleucine 209 with threonine.
Molecular consequence: missense variant.
Genome position (GRCh38, 1-based): chr17:58,362,605, A>G on the plus strand (T>C on the coding strand, the complement: RNF43 is on the minus strand). VCF-style: chr17-58362605-A-G. GRCh37 (hg19) VCF-style: chr17-56439966-A-G.
Other names: c.626T>C, p.Ile209Thr (NM_001305544.3); c.245T>C, p.Ile82Thr (NM_001305545.2); c.626T>C (NM_017763.4); short protein forms I209T, I82T.
Identifiers: ClinVar variation 2678401 (VCV002678401.2), dbSNP rs2509363693, ClinGen allele CA400336692.